The following is an entry in ClinVar:

NM_007289.4(MME):c.721-3C>T

Gene: MME (membrane metalloendopeptidase; plus strand). Cytogenetic location: 3q25.2.
Variant type: single nucleotide variant.
Coding change: c.721-3C>T on transcript NM_007289.4 (MANE Select); 3 bases into the intron before coding-DNA position 721, C replaced by T.
Molecular consequence: intron variant.
Genome position (GRCh38, 1-based): chr3:155,138,099, C>T. VCF-style: chr3-155138099-C-T. GRCh37 (hg19) VCF-style: chr3-154855888-C-T.
Other names: c.721-3C>T (NM_001354642.2, NM_000902.5, NM_007287.4 and 2 more transcripts).
Identifiers: ClinVar variation 2076279 (VCV002076279.2), dbSNP rs368924551, ClinGen allele CA2675262.
Genomic context (GRCh38, chr3:155,138,099, plus strand): 5'-TTTAAGTACCATGATGAATATTTAGAGCTACTCCAACAGTTTAGTGCTATTTTTTTCTTG[C>T]AGGCTTGTACAGCATATGTGGATTTTATGATTTCTGTGGCCAGATTGATTCGTCAGGAAG-3'

ClinVar aggregate classification (germline): Uncertain significance (1 of 4 stars; one submission).

Allele frequency attached by ClinVar (database versions not stated): ExAC 0.00004.
gnomAD v4.1: 25 of 1,613,294 alleles (0.0015%); highest among the groups gnomAD compares: Middle Eastern, 0.016%; no homozygotes.

Submission:

Labcorp Genetics (formerly Invitae), Labcorp
Classification: Uncertain significance. Last evaluated: 2022-08-19. Review status: criteria provided, single submitter. Criteria: Invitae Variant Classification Sherloc (09022015). Collection method: clinical testing. Allele origin: germline.
Comment: In summary, the available evidence is currently insufficient to determine the role of this variant in disease. Therefore, it has been classified as a Variant of Uncertain Significance. Variants that disrupt the consensus splice site are a relatively common cause of aberrant splicing (PMID: 17576681, 9536098). Algorithms developed to predict the effect of sequence changes on RNA splicing suggest that this variant is not likely to affect RNA splicing. This variant has not been reported in the literature in individuals affected with MME-related conditions. This variant is present in population databases (rs368924551, gnomAD 0.02%). This sequence change falls in intron 8 of the MME gene. It does not directly change the encoded amino acid sequence of the MME protein. It affects a nucleotide within the consensus splice site.

Literature cited by the submitters: PubMed 17576681; PubMed 9536098.